The following is an entry in ClinVar:

NM_001458.5(FLNC):c.1033G>A (p.Ala345Thr)

Gene: FLNC (filamin C; plus strand). Cytogenetic location: 7q32.1.
Variant type: single nucleotide variant.
Coding change: c.1033G>A on transcript NM_001458.5 (MANE Select); coding-DNA position 1033, G replaced by A.
Protein change: p.Ala345Thr; replaces alanine 345 with threonine.
Molecular consequence: missense variant.
Genome position (GRCh38, 1-based): chr7:128,838,050, G>A. VCF-style: chr7-128838050-G-A. GRCh37 (hg19) VCF-style: chr7-128478104-G-A.
Other names: c.1033G>A, p.Ala345Thr (NM_001127487.2); short protein forms A345T.
Identifiers: ClinVar variation 5037876 (VCV005037876.1), dbSNP rs775285376.
Genomic context (GRCh38, chr7:128,838,050, plus strand): 5'-AAGGTGGTTCCCAACAATGACAAGGATCGCACCTATGCTGTCTCCTATGTGCCCAAGGTC[G>A]CTGGGTTACACAAGGTATCTCCCTCTAGGCCCCCCTGCCTGCGCTGCTCTTCACATCCTT-3'
Protein context (NP_001449.3, residues 335-355): TYAVSYVPKV[Ala345Thr]GLHKVTVLFA

ClinVar aggregate classification (germline): Uncertain significance (1 of 4 stars; one submission).

Conditions:
Cardiovascular phenotype. Identifiers: MedGen CN230736.

Submission:

Molecular Diagnostic Laboratory for Inherited Cardiovascular Disease, Montreal Heart Institute
Classification: Uncertain significance for Cardiovascular phenotype. Last evaluated: 2026-09-21. Review status: criteria provided, single submitter. Criteria: ACMG Guidelines, 2015. Collection method: clinical testing. Allele origin: germline. Affected: yes.
Comment: PM2